The following is an entry in ClinVar:

NM_032043.3(BRIP1):c.3730_3731del (p.Met1244fs)

Gene: BRIP1 (BRCA1 interacting DNA helicase 1; minus strand). Cytogenetic location: 17q23.2.
Variant type: Deletion.
Coding change: c.3730_3731del on transcript NM_032043.3 (MANE Select); coding-DNA positions 3730 to 3731, 2 bases deleted (AT; older notation c.3730_3731delAT).
Protein change: p.Met1244fs; shifts the reading frame from methionine 1244.
Molecular consequence: frameshift variant.
Genome position (GRCh38, 1-based): chr17:61,683,315-61,683,316, AT deleted on the plus strand (AT on the coding strand, the reverse complement: BRIP1 is on the minus strand). VCF-style (leftmost placement, unchanged base first): chr17-61683314-CAT-C. GRCh37 (hg19) VCF-style: chr17-59760675-CAT-C.
Other names: c.3730_3731delAT (NM_032043.2, NM_032043.3); short protein forms M1244fs.
Identifiers: ClinVar variation 182368 (VCV000182368.25), dbSNP rs730881646, ClinGen allele CA298923.

ClinVar aggregate classification (germline): Uncertain significance. Review status: criteria provided, multiple submitters, no conflicts (2 of 4 stars). 7 submissions from 7 submitters: Uncertain significance (7). Last evaluated 2026-01-10.

Conditions:
Hereditary cancer-predisposing syndrome. Also called: Tumor predisposition; Hereditary Cancer Syndrome; Hereditary neoplastic syndrome; Neoplastic Syndromes, Hereditary. Identifiers: Orphanet 140162, MedGen C0027672, MeSH D009386, MONDO:0015356.
Familial cancer of breast. Also called: BREAST CANCER, FAMILIAL; hereditary breast carcinoma; Hereditary breast cancer. Identifiers: Orphanet 227535, MedGen C0346153, MONDO:0016419, OMIM 114480. Disease mechanism: loss of function.
Fanconi anemia complementation group J. Also called: BRIP1-Related Fanconi Anemia. Identifiers: Orphanet 84, MedGen C1836860, MONDO:0012187, OMIM 609054.

Allele frequency attached by ClinVar (database versions not stated): gnomAD exomes 0.00001 and 0.00002; ExAC 0.00003; gnomAD 0.00003; TOPMed 0.00003; ESP Exome Variant Server 0.00008.

Submissions (7):

Labcorp Genetics (formerly Invitae), Labcorp
Classification: Uncertain significance for Familial cancer of breast; Fanconi anemia complementation group J. Last evaluated: 2026-01-10. Review status: criteria provided, single submitter. Criteria: Invitae Variant Classification Sherloc (09022015). Collection method: clinical testing. Allele origin: germline.
Comment: This sequence change creates a premature translational stop signal (p.Met1244Valfs*5) in the BRIP1 gene. While this is not anticipated to result in nonsense mediated decay, it is expected to disrupt the last 6 amino acid(s) of the BRIP1 protein. This variant is present in population databases (rs730881646, gnomAD 0.03%). This premature translational stop signal has been observed in individual(s) with prostate or renal cancer, acute myeloid leukemia (PMID: 29356034, 29625052, 34521114, 36451132, 38748947). ClinVar contains an entry for this variant (Variation ID: 182368). Experimental studies and prediction algorithms are not available or were not evaluated, and the functional significance of this variant is currently unknown. RNA analysis performed to evaluate the impact of this premature translational stop signal on mRNA splicing indicates it does not significantly alter splicing (internal data). In summary, the available evidence is currently insufficient to determine the role of this variant in disease. Therefore, it has been classified as a Variant of Uncertain Significance.

Women's Health and Genetics/Laboratory Corporation of America, LabCorp
Classification: Uncertain significance. Last evaluated: 2025-12-19. Review status: criteria provided, single submitter. Criteria: LabCorp Variant Classification Summary - May 2015. Collection method: clinical testing. Allele origin: germline.
Comment: Variant summary: BRIP1 c.3730_3731delAT (p.Met1244ValfsX5) results in a premature termination codon, expected to cause a truncation of the encoded protein but not predicted to result in absence of the protein due to nonsense mediated decay. The variant allele was found at a frequency of 2e-05 in 250414 control chromosomes. The available data on variant occurrences in the general population are insufficient to allow any conclusion about variant significance. c.3730_3731delAT has been observed in individuals affected with prostate cancer and in an individual with kidney renal clear cell carcinoma (e.g. Lu_2015, Beebe-Dimmer_2018, Manneh_2024). These reports do not provide unequivocal conclusions about association of the variant with BRIP1-related conditions. To our knowledge, no experimental evidence demonstrating an impact on protein function has been reported. The following publications have been ascertained in the context of this evaluation (PMID: 29356034, 26689913, 38748947). ClinVar contains an entry for this variant (Variation ID: 182368). Based on the evidence outlined above, the variant was classified as uncertain significance.

Ambry Genetics
Classification: Uncertain significance for Hereditary cancer-predisposing syndrome. Last evaluated: 2025-10-28. Review status: criteria provided, single submitter. Criteria: Ambry Variant Classification Scheme 2023. Collection method: clinical testing. Allele origin: germline.
Comment: The c.3730_3731delAT variant, located in coding exon 19 of the BRIP1 gene, results from a deletion of two nucleotides at nucleotide positions 3730 to 3731, causing a translational frameshift with a predicted alternate stop codon (p.M1244Vfs*5). This alteration occurs at the 3' terminus of theBRIP1 gene, is not expected to trigger nonsense-mediated mRNAdecay, and only impacts the last 6 amino acids of the protein. The exact functional effect of this alteration is unknown, however, functional studies suggest that at least one residue contained in this deleted region (Lys1249) has functional importance (Xie J et al. PLoS Genet. Jul 2012; 8(7): e1002786). This alteration has been reported in multiple individuals diagnosed with prostate cancer (Beebe-Dimmer JL et al Prostate. 2018 04;78(5):321-326; Manneh R et al. JCO Precis Oncol, 2024 May;8:e2300628). This alteration was also reported in an individual with clear cell renal carcinoma (Huang KL et al. Cell, 2018 04;173:355-370.e14). Based on the available evidence, the clinical significance of this variant remains unclear.

Color Diagnostics, LLC DBA Color Health
Classification: Uncertain significance for Hereditary cancer-predisposing syndrome. Last evaluated: 2025-03-24. Review status: criteria provided, single submitter. Criteria: ACMG Guidelines, 2015. Collection method: clinical testing. Allele origin: germline.
Comment: This variant deletes 2 nucleotides in the last exon of the BRIP1 gene, creating a frameshift and premature translation stop signal. This mutant transcript is predicted to escape nonsense-mediated decay and be expressed as a truncated protein. This variant has been reported in individuals affected with childhood acute myeloid leukemia, kidney renal clear cell carcinoma, and prostate cancer (PMID: 34521114, 36451132, 38748947). This variant has been identified in 7/281774 chromosomes in the general population by the Genome Aggregation Database (gnomAD). Loss of BRIP1 function is a known mechanism of disease. The available evidence is insufficient to determine the role of this variant in disease conclusively. Therefore, this variant is classified as a Variant of Uncertain Significance.

Baylor Genetics
Classification: Uncertain significance for Familial cancer of breast. Last evaluated: 2024-01-06. Review status: criteria provided, single submitter. Criteria: ACMG Guidelines, 2015. Collection method: clinical testing. Allele origin: unknown.

GeneDx
Classification: Uncertain significance. Last evaluated: 2023-08-04. Review status: criteria provided, single submitter. Criteria: GeneDx Variant Classification Process June 2021. Collection method: clinical testing. Allele origin: germline. Affected: yes.
Comment: Frameshift variant predicted to result in protein truncation as the last 6 amino acids are lost and replaced with 4 incorrect amino acids, although loss-of-function variants have not been reported downstream of this position in the protein; Observed in an individuals with kidney cancer and prostate cancer (Beebe-Dimmer et al., 2018; Huang et al., 2018); This variant is associated with the following publications: (PMID: 29356034, 26689913, 29625052, 22792074)

Fulgent Genetics
Classification: Uncertain significance for Familial cancer of breast; Fanconi anemia complementation group J. Last evaluated: 2022-02-02. Review status: criteria provided, single submitter. Criteria: ACMG Guidelines, 2015. Collection method: clinical testing. Allele origin: unknown.

Literature cited by the submitters: PubMed 29356034 (cited by 3 submitters); PubMed 29625052 (cited by Labcorp Genetics (formerly Invitae), Labcorp and Ambry Genetics); PubMed 34521114 (cited by Labcorp Genetics (formerly Invitae), Labcorp and Color Diagnostics, LLC DBA Color Health); PubMed 36451132 (cited by Labcorp Genetics (formerly Invitae), Labcorp and Color Diagnostics, LLC DBA Color Health); PubMed 38748947 (cited by 4 submitters); PubMed 26689913 (cited by Women's Health and Genetics/Laboratory Corporation of America, LabCorp); PubMed 22792074 (cited by Ambry Genetics).